The following is an entry in ClinVar:

ClinVar aggregate classification (germline): Conflicting classifications of pathogenicity. Review status: criteria provided, conflicting classifications (1 of 4 stars). 5 submissions from 5 submitters: Uncertain significance (3); Benign (1); Likely benign (1). Last evaluated 2025-03-17.

Conditions:
Hereditary cancer-predisposing syndrome. Also called: Hereditary Cancer Syndrome; Tumor predisposition; Hereditary neoplastic syndrome; Neoplastic Syndromes, Hereditary. Identifiers: Orphanet 140162, MedGen C0027672, MeSH D009386, MONDO:0015356.
Tuberous sclerosis 2 (TSC2). Identifiers: Orphanet 805, MedGen C1860707, MONDO:0013199, OMIM 613254.
Isolated focal cortical dysplasia type II (FCORD2). Also called: Focal cortical dysplasia type II; CORTICAL DYSPLASIA OF TAYLOR. Identifiers: Orphanet 268994, MedGen C1846385, MONDO:0011818, OMIM 607341, HP:0032051.
Lymphangiomyomatosis (LAM). Also called: Lymphangioleiomyomatosis; Lymphangioleiomyomatosis, somatic. Identifiers: Orphanet 538, MedGen C0751674, MONDO:0011705, OMIM 606690.

Allele frequency attached by ClinVar (database versions not stated): gnomAD exomes below 0.00001 and 0.00001; ExAC 0.00001.
gnomAD v4.1: 3 of 1,612,246 alleles (0.00019%); highest among the groups gnomAD compares: East Asian, 0.0067%; no homozygotes.

Submissions (5):

Labcorp Genetics (formerly Invitae), Labcorp
Classification: Benign for Tuberous sclerosis 2. Last evaluated: 2025-03-17. Review status: criteria provided, single submitter. Criteria: Invitae Variant Classification Sherloc (09022015). Collection method: clinical testing. Allele origin: germline.

Myriad Genetics, Inc.
Classification: Likely benign for Tuberous sclerosis 2. Last evaluated: 2024-08-15. Review status: criteria provided, single submitter. Criteria: Myriad Autosomal Dominant, Autosomal Recessive and X-Linked Classification Criteria (2023). Collection method: clinical testing. Allele origin: unknown.
Comment: This variant is considered likely benign. This variant has been observed at a population frequency that is significantly greater than expected given the associated disease prevalence and penetrance.

Ambry Genetics
Classification: Uncertain significance for Hereditary cancer-predisposing syndrome. Last evaluated: 2024-05-24. Review status: criteria provided, single submitter. Criteria: Ambry Variant Classification Scheme 2023. Collection method: clinical testing. Allele origin: germline.
Comment: The p.S1085P variant (also known as c.3253T>C), located in coding exon 27 of the TSC2 gene, results from a T to C substitution at nucleotide position 3253. The serine at codon 1085 is replaced by proline, an amino acid with similar properties. This variant was detected in a cohort of 77 unrelated Chinese TSC patients (Lin S et al. Seizure, 2019 Oct;71:322-327). This amino acid position is not well conserved in available vertebrate species. In addition, the in silico prediction for this alteration is inconclusive. Based on the available evidence, the clinical significance of this variant remains unclear.

Blueprint Genetics
Classification: Uncertain significance. Last evaluated: 2022-03-21. Review status: criteria provided, single submitter. Criteria: ACMG Guidelines, 2015. Collection method: clinical testing. Allele origin: germline.

Fulgent Genetics
Classification: Uncertain significance for Lymphangiomyomatosis; Isolated focal cortical dysplasia type II; Tuberous sclerosis 2. Last evaluated: 2021-08-11. Review status: criteria provided, single submitter. Criteria: ACMG Guidelines, 2015. Collection method: clinical testing. Allele origin: unknown.

Literature cited by the submitters: PubMed 31525612 (cited by Ambry Genetics).

NM_000548.5(TSC2):c.3253T>C (p.Ser1085Pro)

Gene: TSC2 (TSC complex subunit 2; plus strand). Cytogenetic location: 16p13.3.
Variant type: single nucleotide variant.
Coding change: c.3253T>C on transcript NM_000548.5 (MANE Select); coding-DNA position 3253, T replaced by C.
Protein change: p.Ser1085Pro; replaces serine 1085 with proline.
Molecular consequence: missense variant.
Genome position (GRCh38, 1-based): chr16:2,079,397, T>C. VCF-style: chr16-2079397-T-C. GRCh37 (hg19) VCF-style: chr16-2129398-T-C.
Other names: c.3121T>C, p.Ser1041Pro (NM_001077183.3, NM_001370404.1); c.3253T>C, p.Ser1085Pro (NM_001114382.3); c.3013T>C, p.Ser1005Pro (NM_001318827.2); c.2977T>C, p.Ser993Pro (NM_001318829.2); c.2521T>C, p.Ser841Pro (NM_001318831.2); c.3154T>C, p.Ser1052Pro (NM_001318832.2); c.3124T>C, p.Ser1042Pro (NM_001363528.2, NM_001370405.1, NM_021055.3); short protein forms S1005P, S1041P, S1042P, S1052P, S1085P, S841P, S993P.
Identifiers: ClinVar variation 1059023 (VCV001059023.15), dbSNP rs767655384, ClinGen allele CA044988.